The following is an entry in ClinVar:

NM_000079.4(CHRNA1):c.*499A>T

Gene: CHRNA1 (cholinergic receptor nicotinic alpha 1 subunit; minus strand). Cytogenetic location: 2q31.1.
Variant type: single nucleotide variant.
Coding change: c.*499A>T on transcript NM_000079.4 (MANE Select); 499 bases downstream of the stop codon, A replaced by T.
Molecular consequence: 3 prime UTR variant.
Genome position (GRCh38, 1-based): chr2:174,747,625, T>A on the plus strand (A>T on the coding strand, the complement: CHRNA1 is on the minus strand). VCF-style: chr2-174747625-T-A. GRCh37 (hg19) VCF-style: chr2-175612353-T-A.
Other names: c.*499A>T (NM_001039523.3).
Identifiers: ClinVar variation 893452 (VCV000893452.7), dbSNP rs574135903, ClinGen allele CA60846289.

ClinVar aggregate classification (germline): Conflicting classifications of pathogenicity. Review status: criteria provided, conflicting classifications (1 of 4 stars). 3 submissions from 2 submitters: Uncertain significance (2); Likely benign (1). Last evaluated 2021-05-22.

Conditions:
Congenital myasthenic syndrome (CMS). Also called: Congenital Myasthenic Syndromes. Identifiers: Orphanet 590, MedGen C0751882, MeSH D020294, MONDO:0018940.
Lethal multiple pterygium syndrome (LMPS). Identifiers: Orphanet 33108, MedGen C1854678, MONDO:0009668, OMIM 253290.

Allele frequency attached by ClinVar (database versions not stated): 1000 Genomes Project 0.00040; 1000 Genomes Project 30x 0.00109; TOPMed 0.00236; gnomAD exomes 0.00259; gnomAD 0.00451 and 0.00488.
gnomAD v4.1: 716 of 166,468 alleles (0.43%); highest among the groups gnomAD compares: Non-Finnish European, 0.41%; 6 homozygotes.

Submissions (3):

GeneDx
Classification: Likely benign. Last evaluated: 2021-05-22. Review status: criteria provided, single submitter. Criteria: GeneDx Variant Classification Process June 2021. Collection method: clinical testing. Allele origin: germline. Affected: yes.
Comment: See Variant Classification Assertion Criteria.

Illumina Laboratory Services, Illumina
Classification: Uncertain significance for Lethal multiple pterygium syndrome. Last evaluated: 2018-01-12. Review status: criteria provided, single submitter. Criteria: ICSL Variant Classification Criteria 13 December 2019. Collection method: clinical testing. Allele origin: germline.

Illumina Laboratory Services, Illumina
Classification: Uncertain significance for Congenital myasthenic syndrome. Last evaluated: 2018-01-12. Review status: criteria provided, single submitter. Criteria: ICSL Variant Classification Criteria 13 December 2019. Collection method: clinical testing. Allele origin: germline.